The following is an entry in ClinVar:

NM_024580.6(EFL1):c.916G>A (p.Asp306Asn)

Genes: EFL1 (elongation factor like GTPase 1; minus strand), LOC129390726 (MPRA-validated peak2402 silencer; plus strand). Cytogenetic location: 15q25.2.
Variant type: single nucleotide variant.
Coding change: c.916G>A on transcript NM_024580.6 (MANE Select); coding-DNA position 916, G replaced by A.
Protein change: p.Asp306Asn; replaces aspartic acid 306 with asparagine.
Molecular consequence: missense variant. On other transcripts: non-coding transcript variant (1).
Genome position (GRCh38, 1-based): chr15:82,229,050, C>T on the plus strand (G>A on the coding strand, the complement: EFL1 is on the minus strand). VCF-style: chr15-82229050-C-T. GRCh37 (hg19) VCF-style: chr15-82521391-C-T.
Other names: c.763G>A, p.Asp255Asn (NM_001040610.3); c.127G>A, p.Asp43Asn (NM_001322844.2); c.916G>A, p.Asp306Asn (NM_001322845.2); short protein forms D306N, D43N, D255N.
Identifiers: ClinVar variation 3694017 (VCV003694017.2).

ClinVar aggregate classification (germline): Uncertain significance (1 of 4 stars; one submission).

gnomAD v4.1: 4 of 1,612,020 alleles (0.00025%); highest among the groups gnomAD compares: East Asian, 0.0067%; no homozygotes.

Submission:

Labcorp Genetics (formerly Invitae), Labcorp
Classification: Uncertain significance. Last evaluated: 2025-01-25. Review status: criteria provided, single submitter. Criteria: Invitae Variant Classification Sherloc (09022015). Collection method: clinical testing. Allele origin: germline.
Comment: This sequence change replaces aspartic acid, which is acidic and polar, with asparagine, which is neutral and polar, at codon 306 of the EFL1 protein (p.Asp306Asn). This variant is present in population databases (rs758800557, gnomAD 0.02%). This variant has not been reported in the literature in individuals affected with EFL1-related conditions. Invitae Evidence Modeling of protein sequence and biophysical properties (such as structural, functional, and spatial information, amino acid conservation, physicochemical variation, residue mobility, and thermodynamic stability) indicates that this missense variant is not expected to disrupt EFL1 protein function with a negative predictive value of 80%. Algorithms developed to predict the effect of sequence changes on RNA splicing suggest that this variant may disrupt the consensus splice site. In summary, the available evidence is currently insufficient to determine the role of this variant in disease. Therefore, it has been classified as a Variant of Uncertain Significance.